The following is an entry in ClinVar:

ClinVar aggregate classification (germline): Uncertain significance. Review status: criteria provided, multiple submitters, no conflicts (2 of 4 stars). 2 submissions from 2 submitters: Uncertain significance (2). Last evaluated 2025-05-02.

Conditions:
COL11A1-related disorder. Also called: COL11A1-related condition; COL11A1-related disorders.

Submissions (2):

GeneDx
Classification: Uncertain significance. Last evaluated: 2025-05-02. Review status: criteria provided, single submitter. Criteria: GeneDx Variant Classification Process June 2021. Collection method: clinical testing. Allele origin: germline. Affected: yes.
Comment: Not observed at significant frequency in large population cohorts (gnomAD); Intronic +5 splice site variant in a gene for which loss of function is a known mechanism of disease, and both splice predictors and evolutionary conservation support a deleterious effect, although in the absence of functional evidence the actual effect of this sequence change is unknown.; Has not been previously published as pathogenic or benign to our knowledge

3billion
Classification: Uncertain significance for COL11A1-related disorder. Last evaluated: 2024-07-23. Review status: criteria provided, single submitter. Criteria: ACMG Guidelines, 2015. Collection method: clinical testing. Allele origin: germline. Affected: yes.
Comment: The variant is not observed in the gnomAD v4.0.0 dataset. Predicted Consequence/Location: Intron variant In silico tools predict the variant to alter splicing and produce an abnormal transcript [SpliceAI: 0.95 (>=0.2, moderate evidence for spliceogenicity)]. The variant has been reported as of uncertain significance (ClinVar ID: VCV002578293). Therefore, this variant is classified as VUS according to the recommendation of ACMG/AMP guideline.

NM_001854.4(COL11A1):c.3438+5G>A

Gene: COL11A1 (collagen type XI alpha 1 chain; minus strand). Cytogenetic location: 1p21.1.
Variant type: single nucleotide variant.
Coding change: c.3438+5G>A on transcript NM_001854.4 (MANE Select); 5 bases into the intron after coding-DNA position 3438, G replaced by A.
Molecular consequence: intron variant.
Genome position (GRCh38, 1-based): chr1:102,939,030, C>T on the plus strand (G>A on the coding strand, the complement: COL11A1 is on the minus strand). VCF-style: chr1-102939030-C-T. GRCh37 (hg19) VCF-style: chr1-103404586-C-T.
Other names: c.3321+5G>A (NM_001190709.2); c.3474+5G>A (NM_080629.3); c.3090+5G>A (NM_080630.4).
Identifiers: ClinVar variation 2578293 (VCV002578293.3), dbSNP rs2524725380, ClinGen allele CA2580617604.